The following is an entry in ClinVar:

NM_002110.5(HCK):c.13T>A (p.Ser5Thr)

Gene: HCK (HCK proto-oncogene, Src family tyrosine kinase; plus strand). Cytogenetic location: 20q11.21.
Variant type: single nucleotide variant.
Coding change: c.13T>A on transcript NM_002110.5 (MANE Select); coding-DNA position 13, T replaced by A.
Protein change: p.Ser5Thr; replaces serine 5 with threonine.
Molecular consequence: missense variant. On other transcripts: 5 prime UTR variant (4).
Genome position (GRCh38, 1-based): chr20:32,052,437, T>A. VCF-style: chr20-32052437-T-A. GRCh37 (hg19) VCF-style: chr20-30640240-T-A.
Other names: c.13T>A (NM_002110.3); c.-51T>A (NM_001172129.3, NM_001172131.3); c.13T>A, p.Ser5Thr (NM_001172130.3); c.-114T>A (NM_001172132.3); c.-115T>A (NM_001172133.3); short protein forms S5T.
Identifiers: ClinVar variation 3238990 (VCV003238990.19), dbSNP rs957448914.

ClinVar aggregate classification (germline): Conflicting classifications of pathogenicity. Review status: criteria provided, conflicting classifications (1 of 4 stars). 2 submissions from 2 submitters: Uncertain significance (1); Likely benign (1). Last evaluated 2025-06-07.

gnomAD v4.1: 37 of 1,280,934 alleles (0.0029%); highest among the groups gnomAD compares: Non-Finnish European, 0.0011%; no homozygotes.

Submissions (2):

Ambry Genetics
Classification: Uncertain significance. Last evaluated: 2025-06-07. Review status: criteria provided, single submitter. Criteria: Ambry Variant Classification Scheme 2023. Collection method: clinical testing. Allele origin: germline.

CeGaT Center for Human Genetics Tuebingen
Classification: Likely benign. Last evaluated: 2024-05-01. Review status: criteria provided, single submitter. Criteria: CeGaT Center For Human Genetics Tuebingen Variant Classification Criteria Version 2. Collection method: clinical testing. Allele origin: germline. Affected: yes. Observed: 1 variant allele.
Comment: HCK: BS2